The following is an entry in ClinVar:

NM_004239.4(TRIP11):c.353A>G (p.Gln118Arg)

Gene: TRIP11 (thyroid hormone receptor interactor 11; minus strand). Cytogenetic location: 14q32.12.
Variant type: single nucleotide variant.
Coding change: c.353A>G on transcript NM_004239.4 (MANE Select); coding-DNA position 353, A replaced by G.
Protein change: p.Gln118Arg; replaces glutamine 118 with arginine.
Molecular consequence: missense variant.
Genome position (GRCh38, 1-based): chr14:92,021,791, T>C on the plus strand (A>G on the coding strand, the complement: TRIP11 is on the minus strand). VCF-style: chr14-92021791-T-C. GRCh37 (hg19) VCF-style: chr14-92488135-T-C.
Other names: c.350A>G, p.Gln117Arg (NM_001321851.1); short protein forms Q118R, Q117R.
Identifiers: ClinVar variation 4633614 (VCV004633614.1).

ClinVar aggregate classification (germline): Uncertain significance (1 of 4 stars; one submission).

Conditions:
Inborn genetic diseases. Identifiers: MedGen C0950123, MeSH D030342.

gnomAD v4.1: 5 of 1,614,194 alleles (0.00031%); highest among the groups gnomAD compares: Non-Finnish European, 0.00042%; no homozygotes.

Submission:

Ambry Genetics
Classification: Uncertain significance for Inborn genetic diseases. Last evaluated: 2025-10-07. Review status: criteria provided, single submitter. Criteria: Ambry Variant Classification Scheme 2023. Collection method: clinical testing. Allele origin: germline.
Comment: The c.353A>G (p.Q118R) alteration is located in exon 4 (coding exon 4) of the TRIP11 gene. This alteration results from a A to G substitution at nucleotide position 353, causing the glutamine (Q) at amino acid position 118 to be replaced by an arginine (R). Based on data from gnomAD, the G allele has an overall frequency of 0.001% (3/251272) total alleles studied. The highest observed frequency was 0.003% (3/113624) of European (non-Finnish) alleles. Based on insufficient or conflicting evidence, the clinical significance of this alteration remains unclear.